The following is an entry in ClinVar:

NM_006767.4(LZTR1):c.959C>A (p.Thr320Asn)

Gene: LZTR1 (leucine zipper like post translational regulator 1; plus strand). Cytogenetic location: 22q11.21.
Variant type: single nucleotide variant.
Coding change: c.959C>A on transcript NM_006767.4 (MANE Select); coding-DNA position 959, C replaced by A.
Protein change: p.Thr320Asn; replaces threonine 320 with asparagine.
Molecular consequence: missense variant.
Genome position (GRCh38, 1-based): chr22:20,991,795, C>A. VCF-style: chr22-20991795-C-A. GRCh37 (hg19) VCF-style: chr22-21346084-C-A.
Other names: short protein forms T320N.
Identifiers: ClinVar variation 3009763 (VCV003009763.3), dbSNP rs2518617329, ClinGen allele CA410781558.

ClinVar aggregate classification (germline): Uncertain significance (1 of 4 stars; one submission).

Submission:

Labcorp Genetics (formerly Invitae), Labcorp
Classification: Uncertain significance. Last evaluated: 2023-10-10. Review status: criteria provided, single submitter. Criteria: Invitae Variant Classification Sherloc (09022015). Collection method: clinical testing. Allele origin: germline.
Comment: This sequence change replaces threonine, which is neutral and polar, with asparagine, which is neutral and polar, at codon 320 of the LZTR1 protein (p.Thr320Asn). This variant is not present in population databases (gnomAD no frequency). This variant has not been reported in the literature in individuals affected with LZTR1-related conditions. Advanced modeling of protein sequence and biophysical properties (such as structural, functional, and spatial information, amino acid conservation, physicochemical variation, residue mobility, and thermodynamic stability) performed at Invitae indicates that this missense variant is not expected to disrupt LZTR1 protein function. In summary, the available evidence is currently insufficient to determine the role of this variant in disease. Therefore, it has been classified as a Variant of Uncertain Significance.